The following is an entry in ClinVar:

NM_015136.3(STAB1):c.885G>A (p.Pro295=)

Gene: STAB1 (stabilin 1; plus strand). Cytogenetic location: 3p21.1.
Variant type: single nucleotide variant.
Coding change: c.885G>A on transcript NM_015136.3 (MANE Select); coding-DNA position 885, G replaced by A.
Protein change: p.Pro295=; no amino-acid change (proline 295 retained).
Molecular consequence: synonymous variant.
Genome position (GRCh38, 1-based): chr3:52,503,534, G>A. VCF-style: chr3-52503534-G-A. GRCh37 (hg19) VCF-style: chr3-52537550-G-A.
Identifiers: ClinVar variation 2653891 (VCV002653891.24), dbSNP rs558804551, ClinGen allele CA2440297.

ClinVar aggregate classification (germline): Likely benign (1 of 4 stars; one submission).

Allele frequency attached by ClinVar (database versions not stated): gnomAD 0.00003; TOPMed 0.00003; ExAC 0.00004; 1000 Genomes Project 30x 0.00016; 1000 Genomes Project 0.00020.
gnomAD v4.1: 44 of 1,613,108 alleles (0.0027%); highest among the groups gnomAD compares: African/African-American, 0.0067%; no homozygotes.

Submission:

CeGaT Center for Human Genetics Tuebingen
Classification: Likely benign. Last evaluated: 2022-04-01. Review status: criteria provided, single submitter. Criteria: CeGaT Center For Human Genetics Tuebingen Variant Classification Criteria Version 2. Collection method: clinical testing. Allele origin: germline. Affected: yes. Observed: 2 variant alleles.
Comment: STAB1: BP4, BP7